The following is an entry in ClinVar:

ClinVar aggregate classification (germline): Likely pathogenic. Review status: criteria provided, multiple submitters, no conflicts (2 of 4 stars). 3 submissions from 3 submitters: Likely pathogenic (2). 1 of the submissions does not count toward it. Last evaluated 2025-05-05.

Conditions:
Juvenile retinoschisis (RS1). Also called: X-Linked Juvenile Retinoschisis; X-linked retinoschisis. Identifiers: Orphanet 792, MedGen C3714753, MONDO:0010725, OMIM 312700.

Submissions (3):

Myriad Genetics, Inc.
Classification: Likely pathogenic for Juvenile retinoschisis. Last evaluated: 2025-05-05. Review status: criteria provided, single submitter. Criteria: Myriad Autosomal Dominant, Autosomal Recessive and X-Linked Classification Criteria (2023). Collection method: clinical testing. Allele origin: unknown.
Comment: NM_000330.3(RS1):c.631G>A(A211T) is a missense variant classified as likely pathogenic in the context of X-linked juvenile retinoschisis. A211T has been observed in cases with relevant disease (PMID: 12383832, 35456481, 34645606, 24238536, 32300273). Relevant functional assessments of this variant are not available in the literature. A211T has not been observed in referenced population frequency databases. In summary, NM_000330.3(RS1):c.631G>A(A211T) is a missense variant that has been observed more frequently in cases with the relevant disease than in healthy populations. Please note: this variant was assessed in the context of healthy population screening.

Juno Genomics, Hangzhou Juno Genomics, Inc
Classification: Likely pathogenic for Juvenile retinoschisis. Review status: criteria provided, single submitter. Criteria: ACMG Guidelines, 2015. Collection method: clinical testing. Allele origin: germline. Affected: yes.
Comment: Absent from controls (or at extremely low frequency if recessive) in Genome Aggregation Database.;Multiple lines of computational evidence support a deleterious effect on the gene or gene product.;The prevalence of the variant in affected individuals is significantly increased compared to the prevalence in controls.;Patient's phenotype or family history is highly specific for a disease with a single genetic etiology.

Retina International
No classification provided. Review status: no classification provided. Collection method: not provided. Allele origin: unknown. Not counted in ClinVar's aggregate classification.

Literature cited by the submitters: PubMed 12383832 (cited by Myriad Genetics, Inc.); PubMed 24238536 (cited by Myriad Genetics, Inc.); PubMed 32300273 (cited by Myriad Genetics, Inc.); PubMed 34645606 (cited by Myriad Genetics, Inc.); PubMed 35456481 (cited by Myriad Genetics, Inc.).

NM_000330.4(RS1):c.631G>A (p.Ala211Thr)

Genes: CDKL5 (cyclin dependent kinase like 5; plus strand), RS1 (retinoschisin 1; minus strand). Cytogenetic location: Xp22.13.
Variant type: single nucleotide variant.
Coding change: c.631G>A on transcript NM_000330.4 (MANE Select); coding-DNA position 631, G replaced by A.
Protein change: p.Ala211Thr; replaces alanine 211 with threonine.
Molecular consequence: missense variant. On other transcripts: intron variant (2).
Genome position (GRCh38, 1-based): chrX:18,642,048, C>T on the plus strand (G>A on the coding strand, the complement: RS1 is on the minus strand). VCF-style: chrX-18642048-C-T. GRCh37 (hg19) VCF-style: chrX-18660168-C-T.
Other names: c.2714-3959C>T (NM_003159.3, NM_001037343.2); short protein forms A211T.
Identifiers: ClinVar variation 99008 (VCV000099008.5), dbSNP rs281865363, ClinGen allele CA226827.
Genomic context (GRCh38, chrX:18,642,048, plus strand): 5'-CGAGCTGAGGCAGGCATCAGGCACACTTGCTGACGCACTCCAGCAGCTCCATCCGGATGG[C>T]AATGCGGACGTGCCAGCCCAGCGGGATGAGGCGGATGAAGCGGGAGATGATGGGGGGCCG-3'
Protein context (NP_000321.1, residues 201-221): LIPLGWHVRI[Ala211Thr]IRMELLECVS